The following is an entry in ClinVar:

ClinVar aggregate classification (germline): Uncertain significance (1 of 4 stars; one submission).

Conditions:
Alagille syndrome due to a JAG1 point mutation. Also called: Alagille Syndrome 1; JAG1-Related Alagille Syndrome; HEPATIC DUCTULAR HYPOPLASIA, SYNDROMATIC. Identifiers: Orphanet 261619, Orphanet 52, MedGen C1956125, MONDO:0016862, OMIM 118450.

Submission:

Labcorp Genetics (formerly Invitae), Labcorp
Classification: Uncertain significance for Alagille syndrome due to a JAG1 point mutation. Last evaluated: 2024-04-29. Review status: criteria provided, single submitter. Criteria: Invitae Variant Classification Sherloc (09022015). Collection method: clinical testing. Allele origin: germline.
Comment: This sequence change replaces arginine, which is basic and polar, with glycine, which is neutral and non-polar, at codon 113 of the JAG1 protein (p.Arg113Gly). This variant is not present in population databases (gnomAD no frequency). This variant has not been reported in the literature in individuals affected with JAG1-related conditions. Advanced modeling of protein sequence and biophysical properties (such as structural, functional, and spatial information, amino acid conservation, physicochemical variation, residue mobility, and thermodynamic stability) has been performed at Invitae for this missense variant, however the output from this modeling did not meet the statistical confidence thresholds required to predict the impact of this variant on JAG1 protein function. In summary, the available evidence is currently insufficient to determine the role of this variant in disease. Therefore, it has been classified as a Variant of Uncertain Significance.

NM_000214.3(JAG1):c.337C>G (p.Arg113Gly)

Gene: JAG1 (jagged canonical Notch ligand 1; minus strand). Cytogenetic location: 20p12.2.
Variant type: single nucleotide variant.
Coding change: c.337C>G on transcript NM_000214.3 (MANE Select); coding-DNA position 337, C replaced by G.
Protein change: p.Arg113Gly; replaces arginine 113 with glycine.
Molecular consequence: missense variant.
Genome position (GRCh38, 1-based): chr20:10,672,751, G>C on the plus strand (C>G on the coding strand, the complement: JAG1 is on the minus strand). VCF-style: chr20-10672751-G-C. GRCh37 (hg19) VCF-style: chr20-10653399-G-C.
Other names: short protein forms R113G.
Identifiers: ClinVar variation 3703597 (VCV003703597.2).